The following is an entry in ClinVar:

NM_000548.5(TSC2):c.4934_4935del (p.Phe1645fs)

Gene: TSC2 (TSC complex subunit 2; plus strand). Cytogenetic location: 16p13.3.
Variant type: Deletion.
Coding change: c.4934_4935del on transcript NM_000548.5 (MANE Select); coding-DNA positions 4934 to 4935, 2 bases deleted (TT; older notation c.4934_4935delTT).
Protein change: p.Phe1645fs; shifts the reading frame from phenylalanine 1645.
Molecular consequence: frameshift variant.
Genome position (GRCh38, 1-based): chr16:2,086,816-2,086,817, TT deleted; deleting any 2 consecutive bases within chr16:2,086,815-2,086,817 gives the same sequence; the c. name uses the placement nearest the transcript's 3' end. VCF-style (leftmost placement, unchanged base first): chr16-2086814-CTT-C. GRCh37 (hg19) VCF-style: chr16-2136815-CTT-C.
Other names: c.4733_4734del, p.Phe1578fs (NM_001077183.3); c.4865_4866del, p.Phe1622fs (NM_001114382.3); c.4625_4626del, p.Phe1542fs (NM_001318827.2); c.4589_4590del, p.Phe1530fs (NM_001318829.2); c.4202_4203del, p.Phe1401fs (NM_001318831.2); c.4766_4767del, p.Phe1589fs (NM_001318832.2); c.4736_4737del, p.Phe1579fs (NM_001363528.2); c.4802_4803del, p.Phe1601fs (NM_001370404.1); and 2 more; short protein forms F1645fs, F1401fs, F1530fs, F1542fs, F1578fs, F1579fs, F1622fs, F1589fs.
Identifiers: ClinVar variation 49981 (VCV000049981.10), dbSNP rs137854141, ClinGen allele CA021331.
Genomic context (GRCh38, chr16:2,086,814, plus strand): 5'-GATGCCCACCAAGGACGTGGACAAGCACCGCTGCGACAAGAAGCGCCACCTGGGCAACGA[CTT>C]TGTGTCCATTGTCTACAATGACTCCGGTGAGGACTTCAAGCTTGGCACCATCAAGGTGAG-3'

ClinVar aggregate classification (germline): Pathogenic. Review status: criteria provided, multiple submitters, no conflicts (2 of 4 stars). 6 submissions from 6 submitters: Pathogenic (5). 1 of the submissions does not count toward it. Last evaluated 2021-11-07.

Conditions:
Tuberous sclerosis syndrome (TSC). Also called: Tuberous Sclerosis Complex; Tuberous sclerosis. Identifiers: Orphanet 805, MedGen C0041341, MONDO:0001734.
Tuberous sclerosis 2 (TSC2). Identifiers: Orphanet 805, MedGen C1860707, MONDO:0013199, OMIM 613254.

Submissions (6):

Genome-Nilou Lab
Classification: Pathogenic for Tuberous sclerosis 2. Last evaluated: 2021-11-07. Review status: criteria provided, single submitter. Criteria: ACMG Guidelines, 2015. Collection method: clinical testing. Allele origin: germline. Affected: no.

Center for Human Genetics, Inc
Classification: Pathogenic for Tuberous sclerosis 2. Last evaluated: 2018-06-01. Review status: criteria provided, single submitter. Criteria: ACMG Guidelines, 2015. Collection method: clinical testing. Allele origin: germline. Affected: yes.

Labcorp Genetics (formerly Invitae), Labcorp
Classification: Pathogenic for Tuberous sclerosis 2. Last evaluated: 2017-05-25. Review status: criteria provided, single submitter. Criteria: Invitae Variant Classification Sherloc (09022015). Collection method: clinical testing. Allele origin: germline.
Comment: For these reasons, this variant has been classified as Pathogenic. Loss-of-function variants in TSC2 are known to be pathogenic (PMID: 10205261, 17304050). This variant has been reported to segregate with tuberous sclerosis in 2 families (PMID: 9452050). It has also been reported as de novo in individuals affected with tuberous sclerosis and Wilms tumor (PMID: 21567926, 9452050), but paternity was not confirmed in these individuals. This variant is also known as 4882delTT in the literature. ClinVar contains an entry for this variant (Variation ID: 49981). This variant is not present in population databases (ExAC no frequency). This sequence change creates a premature translational stop signal (p.Phe1645Cysfs*7) in the TSC2 gene. It is expected to result in an absent or disrupted protein product.

Athena Diagnostics
Classification: Pathogenic for Tuberous sclerosis 2. Last evaluated: 2014-06-23. Review status: criteria provided, single submitter. Criteria: Athena Diagnostics Criteria. Collection method: clinical testing. Allele origin: germline. Inheritance: Autosomal dominant inheritance.

Clinical Genetics Service, Universitary Hospital 12 de Octubre
Classification: Pathogenic for Tuberous sclerosis 2. Review status: criteria provided, single submitter. Criteria: ACMG Guidelines, 2015. Collection method: clinical testing. Allele origin: germline. Affected: yes.

Tuberous sclerosis database (TSC2)
No classification provided. Condition: TSC. Review status: no classification provided. Criteria: Tuberous Sclerosis Database Assertion Criteria 2015. Collection method: curation. Allele origin: germline. Affected: yes. Not counted in ClinVar's aggregate classification.

Literature cited by the submitters: PubMed 10205261 (cited by Labcorp Genetics (formerly Invitae), Labcorp); PubMed 17304050 (cited by Labcorp Genetics (formerly Invitae), Labcorp); PubMed 9452050 (cited by Labcorp Genetics (formerly Invitae), Labcorp); PubMed 21567926 (cited by Labcorp Genetics (formerly Invitae), Labcorp and Athena Diagnostics); PubMed 11112665 (cited by Athena Diagnostics); PubMed 15798777 (cited by Athena Diagnostics).